The following is an entry in ClinVar:

ClinVar aggregate classification (germline): Uncertain significance (1 of 4 stars; one submission).

Submission:

Labcorp Genetics (formerly Invitae), Labcorp
Classification: Uncertain significance. Last evaluated: 2023-07-12. Review status: criteria provided, single submitter. Criteria: Invitae Variant Classification Sherloc (09022015). Collection method: clinical testing. Allele origin: germline.
Comment: This variant has not been reported in the literature in individuals affected with STAT4-related conditions. This variant is not present in population databases (gnomAD no frequency). This sequence change replaces valine, which is neutral and non-polar, with methionine, which is neutral and non-polar, at codon 317 of the STAT4 protein (p.Val317Met). In summary, the available evidence is currently insufficient to determine the role of this variant in disease. Therefore, it has been classified as a Variant of Uncertain Significance. Advanced modeling of protein sequence and biophysical properties (such as structural, functional, and spatial information, amino acid conservation, physicochemical variation, residue mobility, and thermodynamic stability) performed at Invitae indicates that this missense variant is expected to disrupt STAT4 protein function.

NM_003151.4(STAT4):c.949G>A (p.Val317Met)

Gene: STAT4 (signal transducer and activator of transcription 4; minus strand). Cytogenetic location: 2q32.2.
Variant type: single nucleotide variant.
Coding change: c.949G>A on transcript NM_003151.4 (MANE Select); coding-DNA position 949, G replaced by A.
Protein change: p.Val317Met; replaces valine 317 with methionine.
Molecular consequence: missense variant.
Genome position (GRCh38, 1-based): chr2:191,061,814, C>T on the plus strand (G>A on the coding strand, the complement: STAT4 is on the minus strand). VCF-style: chr2-191061814-C-T. GRCh37 (hg19) VCF-style: chr2-191926540-C-T.
Other names: c.949G>A, p.Val317Met (NM_001243835.2); short protein forms V317M.
Identifiers: ClinVar variation 2742725 (VCV002742725.3), dbSNP rs2470763384, ClinGen allele CA349915305.